The following is an entry in ClinVar:

NM_001130438.3(SPTAN1):c.6482A>G (p.Gln2161Arg)

Gene: SPTAN1 (spectrin alpha, non-erythrocytic 1; plus strand). Cytogenetic location: 9q34.11.
Variant type: single nucleotide variant.
Coding change: c.6482A>G on transcript NM_001130438.3 (MANE Select); coding-DNA position 6482, A replaced by G.
Protein change: p.Gln2161Arg; replaces glutamine 2161 with arginine.
Molecular consequence: missense variant.
Genome position (GRCh38, 1-based): chr9:128,626,593, A>G. VCF-style: chr9-128626593-A-G. GRCh37 (hg19) VCF-style: chr9-131388872-A-G.
Other names: c.6407A>G, p.Gln2136Arg (NM_001195532.2); c.6482A>G, p.Gln2161Arg (NM_001363759.2, NM_001375310.1, NM_001375311.2 and 1 more transcripts); c.6422A>G, p.Gln2141Arg (NM_001363765.2, NM_001375314.2); c.6518A>G, p.Gln2173Arg (NM_001375312.2, NM_001375318.1); c.6467A>G, p.Gln2156Arg (NM_003127.4); short protein forms Q2173R, Q2136R, Q2156R, Q2161R, Q2141R.
Identifiers: ClinVar variation 970806 (VCV000970806.10), dbSNP rs1858781937, ClinGen allele CA375089259.

ClinVar aggregate classification (germline): Uncertain significance (1 of 4 stars; one submission).

Conditions:
Early-infantile DEE. Also called: Ohtahara syndrome; Early infantile epileptic encephalopathy with suppression bursts; Early infantile epileptic encephalopathy. Identifiers: Orphanet 1934, MedGen C0393706, MONDO:0800491.

Submission:

Labcorp Genetics (formerly Invitae), Labcorp
Classification: Uncertain significance for Early-infantile DEE. Last evaluated: 2025-09-08. Review status: criteria provided, single submitter. Criteria: Invitae Variant Classification Sherloc (09022015). Collection method: clinical testing. Allele origin: germline.
Comment: This sequence change replaces glutamine, which is neutral and polar, with arginine, which is basic and polar, at codon 2161 of the SPTAN1 protein (p.Gln2161Arg). This variant is not present in population databases (gnomAD no frequency). This variant has not been reported in the literature in individuals affected with SPTAN1-related conditions. ClinVar contains an entry for this variant (Variation ID: 970806). Invitae Evidence Modeling of protein sequence and biophysical properties (such as structural, functional, and spatial information, amino acid conservation, physicochemical variation, residue mobility, and thermodynamic stability) has been performed for this missense variant. However, the output from this modeling did not meet the statistical confidence thresholds required to predict the impact of this variant on SPTAN1 protein function. In summary, the available evidence is currently insufficient to determine the role of this variant in disease. Therefore, it has been classified as a Variant of Uncertain Significance.